The following is an entry in ClinVar:

NM_000246.4(CIITA):c.1594C>T (p.Leu532Phe)

Gene: CIITA (class II major histocompatibility complex transactivator; plus strand). Cytogenetic location: 16p13.13.
Variant type: single nucleotide variant.
Coding change: c.1594C>T on transcript NM_000246.4 (MANE Select); coding-DNA position 1594, C replaced by T.
Protein change: p.Leu532Phe; replaces leucine 532 with phenylalanine.
Molecular consequence: missense variant. On other transcripts: intron variant (1).
Genome position (GRCh38, 1-based): chr16:10,907,086, C>T. VCF-style: chr16-10907086-C-T. GRCh37 (hg19) VCF-style: chr16-11000943-C-T.
Other names: c.1597C>T, p.Leu533Phe (NM_001286402.1, NM_001379332.1); c.1450C>T, p.Leu484Phe (NM_001379330.1); c.1447C>T, p.Leu483Phe (NM_001379331.1); c.1594C>T, p.Leu532Phe (NM_001379333.1); c.1525C>T, p.Leu509Phe (NM_001379334.1); c.860-1897C>T (NM_001286403.2); short protein forms L484F, L532F, L533F, L483F, L509F.
Identifiers: ClinVar variation 949958 (VCV000949958.9), dbSNP rs375800045, ClinGen allele CA277745982.
Genomic context (GRCh38, chr16:10,907,086, plus strand): 5'-CACAGCACGTGCGGACCGGCACCGGCGGAGCCCTGCTCCCTCCGGGGGCTGCTGGCCGGC[C>T]TTTTCCAGAAGAAGCTGCTCCGAGGTTGCACCCTCCTCCTCACAGCCCGGCCCCGGGGCC-3'
Protein context (NP_000237.2, residues 522-542): PCSLRGLLAG[Leu532Phe]FQKKLLRGCT

ClinVar aggregate classification (germline): Uncertain significance (1 of 4 stars; one submission).

Conditions:
MHC class II deficiency. Also called: Bare lymphocyte syndrome 2; BLS, TYPE II. Identifiers: Orphanet 572, MedGen C5447452, MONDO:0008855.

Submission:

Labcorp Genetics (formerly Invitae), Labcorp
Classification: Uncertain significance for MHC class II deficiency. Last evaluated: 2019-06-28. Review status: criteria provided, single submitter. Criteria: Invitae Variant Classification Sherloc (09022015). Collection method: clinical testing. Allele origin: germline.
Comment: This sequence change replaces leucine with phenylalanine at codon 532 of the CIITA protein (p.Leu532Phe). The leucine residue is highly conserved and there is a small physicochemical difference between leucine and phenylalanine. This variant is not present in population databases (ExAC no frequency). This variant has not been reported in the literature in individuals with CIITA-related conditions. Algorithms developed to predict the effect of missense changes on protein structure and function are either unavailable or do not agree on the potential impact of this missense change (SIFT: "Deleterious"; PolyPhen-2: "Probably Damaging"; Align-GVGD: "Class C0"). In summary, the available evidence is currently insufficient to determine the role of this variant in disease. Therefore, it has been classified as a Variant of Uncertain Significance.